The following is an entry in ClinVar:

NM_004415.4(DSP):c.7962G>A (p.Gln2654=)

Gene: DSP (desmoplakin; plus strand). Cytogenetic location: 6p24.3.
Variant type: single nucleotide variant.
Coding change: c.7962G>A on transcript NM_004415.4 (MANE Select); coding-DNA position 7962, G replaced by A.
Protein change: p.Gln2654=; no amino-acid change (glutamine 2654 retained).
Molecular consequence: synonymous variant.
Genome position (GRCh38, 1-based): chr6:7,585,224, G>A. VCF-style: chr6-7585224-G-A. GRCh37 (hg19) VCF-style: chr6-7585457-G-A.
Other names: c.6165G>A, p.Gln2055= (NM_001008844.3); c.6633G>A, p.Gln2211= (NM_001319034.2).
Identifiers: ClinVar variation 743169 (VCV000743169.14), dbSNP rs767539050, ClinGen allele CA051231.

ClinVar aggregate classification (germline): Likely benign. Review status: criteria provided, multiple submitters, no conflicts (2 of 4 stars). 5 submissions from 5 submitters: Likely benign (5). Last evaluated 2024-11-10.

Conditions:
Arrhythmogenic cardiomyopathy with wooly hair and keratoderma. Also called: PALMOPLANTAR KERATODERMA WITH LEFT VENTRICULAR CARDIOMYOPATHY AND WOOLLY HAIR; Dilated cardiomyopathy with woolly hair and keratoderma; Arrhythmogenic cardiomyopathy with woolly hair and keratoderma; Carvajal syndrome. Identifiers: Orphanet 65282, MedGen C1854063, MONDO:0011581, OMIM 605676.
Cardiovascular phenotype. Identifiers: MedGen CN230736.
Arrhythmogenic right ventricular dysplasia 8 (ARVD8). Also called: Arrhythmogenic Right Ventricular Dysplasia/Cardiomyopathy 8; ARRHYTHMOGENIC RIGHT VENTRICULAR CARDIOMYOPATHY 8; ARRHYTHMOGENIC RIGHT VENTRICULAR DYSPLASIA, FAMILIAL, 8. Identifiers: MedGen C1843896, MONDO:0011831, OMIM 607450.
Cardiomyopathy (CMYO). Also called: Cardiomyopathies. Identifiers: Orphanet 167848, MedGen C0878544, MONDO:0004994, HP:0001638. Inheritance: Various modes of inheritance.

Allele frequency attached by ClinVar (database versions not stated): gnomAD 0.00001; gnomAD exomes 0.00001 and 0.00002; TOPMed 0.00001; ExAC 0.00002.
gnomAD v4.1: 13 of 1,614,044 alleles (0.00081%); highest among the groups gnomAD compares: Admixed American, 0.0017%; no homozygotes.

Submissions (5):

Labcorp Genetics (formerly Invitae), Labcorp
Classification: Likely benign for Arrhythmogenic cardiomyopathy with wooly hair and keratoderma; Arrhythmogenic right ventricular dysplasia 8. Last evaluated: 2024-11-10. Review status: criteria provided, single submitter. Criteria: Invitae Variant Classification Sherloc (09022015). Collection method: clinical testing. Allele origin: germline.

Ambry Genetics
Classification: Likely benign for Cardiovascular phenotype. Last evaluated: 2024-05-02. Review status: criteria provided, single submitter. Criteria: Ambry Variant Classification Scheme 2023. Collection method: clinical testing. Allele origin: germline.

All of Us Research Program, National Institutes of Health
Classification: Likely benign for Arrhythmogenic cardiomyopathy with wooly hair and keratoderma. Last evaluated: 2024-04-25. Review status: criteria provided, single submitter. Criteria: ACMG Guidelines, 2015. Collection method: clinical testing. Allele origin: germline. Inheritance: Autosomal dominant inheritance. Observed: 1 variant allele, 1 heterozygote.
Comment: This study involves interpretation of variants in research participants for the purpose of population health screening. Participant phenotype was not available at the time of variant classification. Additional details can be found in publication PMID: 35346344, PMCID: PMC8962531

Blueprint Genetics
Classification: Likely benign. Last evaluated: 2023-12-20. Review status: criteria provided, single submitter. Criteria: ACMG Guidelines, 2015. Collection method: clinical testing. Allele origin: germline.

Color Diagnostics, LLC DBA Color Health
Classification: Likely benign for Cardiomyopathy. Last evaluated: 2019-05-20. Review status: criteria provided, single submitter. Criteria: ACMG Guidelines, 2015. Collection method: clinical testing. Allele origin: germline.